The following is an entry in ClinVar:

ClinVar aggregate classification (germline): Benign/Likely benign. Review status: criteria provided, multiple submitters, no conflicts (2 of 4 stars). 3 submissions from 3 submitters: Benign (1); Likely benign (2). Last evaluated 2025-10-14.

Conditions:
Hereditary cancer-predisposing syndrome. Also called: Tumor predisposition; Hereditary Cancer Syndrome; Neoplastic Syndromes, Hereditary; Hereditary neoplastic syndrome. Identifiers: Orphanet 140162, MedGen C0027672, MeSH D009386, MONDO:0015356.
Familial adenomatous polyposis 1 (FAP1). Also called: POLYPOSIS, ADENOMATOUS INTESTINAL; FAMILIAL ADENOMATOUS POLYPOSIS 1, ATTENUATED. Identifiers: MedGen C2713442, MONDO:0021056, OMIM 175100. Disease mechanism: loss of function.

gnomAD v4.1: 1 of 1,613,906 alleles (0.000062%); highest among the groups gnomAD compares: Non-Finnish European, 0.000085%; no homozygotes.

Submissions (3):

Ambry Genetics
Classification: Likely benign for Hereditary cancer-predisposing syndrome. Last evaluated: 2025-10-14. Review status: criteria provided, single submitter. Criteria: Ambry Variant Classification Scheme 2023. Collection method: clinical testing. Allele origin: germline.

Myriad Genetics, Inc.
Classification: Benign for Familial adenomatous polyposis 1. Last evaluated: 2024-04-09. Review status: criteria provided, single submitter. Criteria: Myriad Autosomal Dominant, Autosomal Recessive and X-Linked Classification Criteria (2023). Collection method: clinical testing. Allele origin: unknown.
Comment: This variant is considered benign. This variant is a silent/synonymous amino acid change and it is not expected to impact splicing.

Labcorp Genetics (formerly Invitae), Labcorp
Classification: Likely benign for Familial adenomatous polyposis 1. Last evaluated: 2022-08-27. Review status: criteria provided, single submitter. Criteria: Invitae Variant Classification Sherloc (09022015). Collection method: clinical testing. Allele origin: germline.

NM_000038.6(APC):c.7164C>A (p.Ala2388=)

Gene: APC (APC regulator of Wnt signaling pathway; plus strand). Cytogenetic location: 5q22.2.
Variant type: single nucleotide variant.
Coding change: c.7164C>A on transcript NM_000038.6 (MANE Select); coding-DNA position 7164, C replaced by A.
Protein change: p.Ala2388=; no amino-acid change (alanine 2388 retained).
Molecular consequence: synonymous variant. On other transcripts: non-coding transcript variant (2).
Genome position (GRCh38, 1-based): chr5:112,842,758, C>A. VCF-style: chr5-112842758-C-A. GRCh37 (hg19) VCF-style: chr5-112178455-C-A.
Other names: c.7164C>A, p.Ala2388= (NM_001127510.3, NM_001354895.2, NM_001407450.1); c.7110C>A, p.Ala2370= (NM_001127511.3); c.7218C>A, p.Ala2406= (NM_001354896.2, NM_001407447.1, NM_001407448.1 and 1 more transcripts); c.7194C>A, p.Ala2398= (NM_001354897.2); c.7089C>A, p.Ala2363= (NM_001354898.2); c.7080C>A, p.Ala2360= (NM_001354899.2); c.7041C>A, p.Ala2347= (NM_001354900.2); c.6987C>A, p.Ala2329= (NM_001354901.2, NM_001407453.1); and 12 more.
Identifiers: ClinVar variation 2054586 (VCV002054586.6), dbSNP rs1554088092, ClinGen allele CA446210161.
Genomic context (GRCh38, chr5:112,842,758, plus strand): 5'-TCCAGGTAGACAGATGAGCCAACAGAACCTTACCAAACAAACAGGTTTATCCAAGAATGC[C>A]AGTAGTATTCCAAGAAGTGAGTCTGCCTCCAAAGGACTAAATCAGATGAATAATGGTAAT-3'
Protein context (NP_000029.2, residues 2378-2398): LTKQTGLSKN[Ala2388=]SSIPRSESAS